The following is an entry in ClinVar:

ClinVar aggregate classification (germline): Uncertain significance (1 of 4 stars; one submission).

Conditions:
Hereditary cancer-predisposing syndrome. Also called: Hereditary Cancer Syndrome; Neoplastic Syndromes, Hereditary; Hereditary neoplastic syndrome; Tumor predisposition. Identifiers: Orphanet 140162, MedGen C0027672, MeSH D009386, MONDO:0015356.

Submission:

Ambry Genetics
Classification: Uncertain significance for Hereditary cancer-predisposing syndrome. Last evaluated: 2014-01-28. Review status: criteria provided, single submitter. Criteria: Ambry Autosomal Dominant and X-Linked criteria (10/2015). Collection method: clinical testing. Allele origin: germline. Observed: 1 variant allele.
Comment: The p.R455P variant (also known as c.1364G>C), located in coding exon 14 of the RB1 gene, results from a G to C substitution at nucleotide position 1364. The arginine at codon 455 is replaced by proline, an amino acid with dissimilar properties. This variant was not reported in population based cohorts in the following databases: Database of Single Nucleotide Polymorphisms (dbSNP), NHLBI Exome Sequencing Project (ESP), and 1000 Genomes Project. This amino acid position is highly conserved in available vertebrate species through fish. In addition, this alteration is predicted to be deleterious by in silico analysis.Since supporting evidence is limited at this time, the clinical significance of p.R455P remains unclear.

NM_000321.3(RB1):c.1364G>C (p.Arg455Pro)

Gene: RB1 (RB transcriptional corepressor 1; plus strand). Cytogenetic location: 13q14.2.
Variant type: single nucleotide variant.
Coding change: c.1364G>C on transcript NM_000321.3 (MANE Select); coding-DNA position 1364, G replaced by C.
Protein change: p.Arg455Pro; replaces arginine 455 with proline.
Molecular consequence: missense variant.
Genome position (GRCh38, 1-based): chr13:48,379,625, G>C. VCF-style: chr13-48379625-G-C. GRCh37 (hg19) VCF-style: chr13-48953761-G-C.
Other names: short protein forms R455P.
Identifiers: ClinVar variation 428691 (VCV000428691.3), dbSNP rs769425649, ClinGen allele CA388162596.
Genomic context (GRCh38, chr13:48,379,625, plus strand): 5'-CTCTTATTTTTCTTTTTGTTTGTTTGTAGCGATACAAACTTGGAGTTCGCTTGTATTACC[G>C]AGTAATGGAATCCATGCTTAAATCAGTAAGTTAAAAACAATATAAAAAAATTTCAGCCGG-3'
Protein context (NP_000312.2, residues 445-465): RYKLGVRLYY[Arg455Pro]VMESMLKSEE